The following is an entry in ClinVar:

NM_001349253.2(SCN11A):c.5312A>G (p.Gln1771Arg)

Gene: SCN11A (sodium voltage-gated channel alpha subunit 11; minus strand). Cytogenetic location: 3p22.2.
Variant type: single nucleotide variant.
Coding change: c.5312A>G on transcript NM_001349253.2 (MANE Select); coding-DNA position 5312, A replaced by G.
Protein change: p.Gln1771Arg; replaces glutamine 1771 with arginine.
Molecular consequence: missense variant.
Genome position (GRCh38, 1-based): chr3:38,846,758, T>C on the plus strand (A>G on the coding strand, the complement: SCN11A is on the minus strand). VCF-style: chr3-38846758-T-C. GRCh37 (hg19) VCF-style: chr3-38888249-T-C.
Other names: c.5312A>G, p.Gln1771Arg (NM_014139.3); short protein forms Q1771R.
Identifiers: ClinVar variation 541558 (VCV000541558.9), dbSNP rs773726638, ClinGen allele CA2321351.
Genomic context (GRCh38, chr3:38,846,758, plus strand): 5'-TCACAGTGGACCTTGCCCTTGGCCACCCCAAAGCTAGACAAGTCTCCATTGCAAAGAGTC[T>C]GGAGTGGTGAATGAGGCCCGTTTTCCAAGTCATTTTGGTCACCTTGGTCACCCTTGGTCA-3'
Protein context (NP_001336182.1, residues 1761-1781): DLENGPHSPL[Gln1771Arg]TLCNGDLSSF

ClinVar aggregate classification (germline): Uncertain significance. Review status: criteria provided, multiple submitters, no conflicts (2 of 4 stars). 2 submissions from 2 submitters: Uncertain significance (2). Last evaluated 2022-10-28.

Conditions:
Inborn genetic diseases. Identifiers: MedGen C0950123, MeSH D030342.
Hereditary sensory and autonomic neuropathy type 7. Also called: Neuropathy, hereditary sensory and autonomic, type VII; HSAN VII. Identifiers: Orphanet 391397, MedGen C3809882, MONDO:0014244, OMIM 615548.
Familial episodic pain syndrome with predominantly lower limb involvement. Also called: Episodic pain syndrome, familial, 3. Identifiers: Orphanet 391384, Orphanet 391392, MedGen C3809899, MONDO:0014247, OMIM 615552.

Allele frequency attached by ClinVar (database versions not stated): ExAC 0.00002; gnomAD 0.00002 and 0.00003; TOPMed 0.00002.
gnomAD v4.1: 19 of 1,614,010 alleles (0.0012%); highest among the groups gnomAD compares: Admixed American, 0.017%; no homozygotes.

Submissions (2):

Labcorp Genetics (formerly Invitae), Labcorp
Classification: Uncertain significance for Familial episodic pain syndrome with predominantly lower limb involvement; Hereditary sensory and autonomic neuropathy type 7. Last evaluated: 2022-10-28. Review status: criteria provided, single submitter. Criteria: Invitae Variant Classification Sherloc (09022015). Collection method: clinical testing. Allele origin: germline.
Comment: In summary, the available evidence is currently insufficient to determine the role of this variant in disease. Therefore, it has been classified as a Variant of Uncertain Significance. Algorithms developed to predict the effect of missense changes on protein structure and function are either unavailable or do not agree on the potential impact of this missense change (SIFT: "Deleterious"; PolyPhen-2: "Benign"; Align-GVGD: "Class C35"). ClinVar contains an entry for this variant (Variation ID: 541558). This variant has not been reported in the literature in individuals affected with SCN11A-related conditions. This variant is present in population databases (rs773726638, gnomAD 0.01%). This sequence change replaces glutamine, which is neutral and polar, with arginine, which is basic and polar, at codon 1771 of the SCN11A protein (p.Gln1771Arg).

Ambry Genetics
Classification: Uncertain significance for Inborn genetic diseases. Last evaluated: 2020-02-20. Review status: criteria provided, single submitter. Criteria: Ambry Variant Classification Scheme 2023. Collection method: clinical testing. Allele origin: germline.
Comment: The p.Q1771R variant (also known as c.5312A>G), located in coding exon 26 of the SCN11A gene, results from an A to G substitution at nucleotide position 5312. The glutamine at codon 1771 is replaced by arginine, an amino acid with highly similar properties. This amino acid position is well conserved in available vertebrate species. In addition, this alteration is predicted to be tolerated by in silico analysis. Since supporting evidence is limited at this time, the clinical significance of this alteration remains unclear.